The following is an entry in ClinVar:

ClinVar aggregate classification (germline): Uncertain significance. Review status: criteria provided, multiple submitters, no conflicts (2 of 4 stars). 4 submissions from 4 submitters: Uncertain significance (4). Last evaluated 2026-01-11.

Conditions:
Hereditary cancer-predisposing syndrome. Also called: Tumor predisposition; Hereditary Cancer Syndrome; Hereditary neoplastic syndrome; Neoplastic Syndromes, Hereditary. Identifiers: Orphanet 140162, MedGen C0027672, MeSH D009386, MONDO:0015356.
Familial cancer of breast. Also called: BREAST CANCER, FAMILIAL; Hereditary breast cancer; hereditary breast carcinoma. Identifiers: Orphanet 227535, MedGen C0346153, MONDO:0016419, OMIM 114480. Disease mechanism: loss of function.

Allele frequency attached by ClinVar (database versions not stated): gnomAD exomes below 0.00001; ExAC 0.00001; gnomAD 0.00001; TOPMed 0.00002.
gnomAD v4.1: 2 of 1,612,820 alleles (0.00012%); highest among the groups gnomAD compares: African/African-American, 0.0027%; no homozygotes.

Submissions (4):

Labcorp Genetics (formerly Invitae), Labcorp
Classification: Uncertain significance for Familial cancer of breast. Last evaluated: 2026-01-11. Review status: criteria provided, single submitter. Criteria: Invitae Variant Classification Sherloc (09022015). Collection method: clinical testing. Allele origin: germline.
Comment: This sequence change replaces aspartic acid, which is acidic and polar, with tyrosine, which is neutral and polar, at codon 122 of the PALB2 protein (p.Asp122Tyr). This variant is present in population databases (rs730881880, gnomAD 0.007%). This variant has not been reported in the literature in individuals affected with PALB2-related conditions. ClinVar contains an entry for this variant (Variation ID: 182758). An algorithm developed to predict the effect of missense changes on protein structure and function (PolyPhen-2) suggests that this variant is likely to be disruptive. In summary, the available evidence is currently insufficient to determine the role of this variant in disease. Therefore, it has been classified as a Variant of Uncertain Significance.

Ambry Genetics
Classification: Uncertain significance for Hereditary cancer-predisposing syndrome. Last evaluated: 2025-05-19. Review status: criteria provided, single submitter. Criteria: Ambry Variant Classification Scheme 2023. Collection method: clinical testing. Allele origin: germline.
Comment: The p.D122Y variant (also known as c.364G>T), located in coding exon 4 of the PALB2 gene, results from a G to T substitution at nucleotide position 364. The aspartic acid at codon 122 is replaced by tyrosine, an amino acid with highly dissimilar properties. This amino acid position is poorly conserved in available vertebrate species. In addition, this alteration is predicted to be tolerated by in silico analysis. Since supporting evidence is limited at this time, the clinical significance of this alteration remains unclear.

Baylor Genetics
Classification: Uncertain significance for Familial cancer of breast. Last evaluated: 2023-12-08. Review status: criteria provided, single submitter. Criteria: ACMG Guidelines, 2015. Collection method: clinical testing. Allele origin: unknown.

GeneDx
Classification: Uncertain significance. Last evaluated: 2022-05-19. Review status: criteria provided, single submitter. Criteria: GeneDx Variant Classification Process June 2021. Collection method: clinical testing. Allele origin: germline. Affected: yes.
Comment: Not observed at significant frequency in large population cohorts (gnomAD); In silico analysis supports that this missense variant has a deleterious effect on protein structure/function; Has not been previously published as pathogenic or benign to our knowledge; This variant is associated with the following publications: (PMID: 20871615, 19369211)

NM_024675.4(PALB2):c.364G>T (p.Asp122Tyr)

Gene: PALB2 (partner and localizer of BRCA2; minus strand). Cytogenetic location: 16p12.2.
Variant type: single nucleotide variant.
Coding change: c.364G>T on transcript NM_024675.4 (MANE Select); coding-DNA position 364, G replaced by T.
Protein change: p.Asp122Tyr; replaces aspartic acid 122 with tyrosine.
Molecular consequence: missense variant.
Genome position (GRCh38, 1-based): chr16:23,636,182, C>A on the plus strand (G>T on the coding strand, the complement: PALB2 is on the minus strand). VCF-style: chr16-23636182-C-A. GRCh37 (hg19) VCF-style: chr16-23647503-C-A.
Other names: p.D122Y:GAT>TAT; short protein forms D122Y.
Identifiers: ClinVar variation 182758 (VCV000182758.20), dbSNP rs730881880, ClinGen allele CA299701.